The following is an entry in ClinVar:

NM_198490.3(RAB43):c.12G>A (p.Pro4=)

Genes: ISY1-RAB43 (ISY1-RAB43 readthrough; minus strand), RAB43 (RAB43, member RAS oncogene family; minus strand). Cytogenetic location: 3q21.3.
Variant type: single nucleotide variant.
Coding change: c.12G>A on transcript NM_198490.3 (MANE Select); coding-DNA position 12, G replaced by A.
Protein change: p.Pro4=; no amino-acid change (proline 4 retained).
Molecular consequence: synonymous variant. On other transcripts: intron variant (1).
Genome position (GRCh38, 1-based): chr3:129,121,478, C>T on the plus strand (G>A on the coding strand, the complement: RAB43 is on the minus strand). VCF-style: chr3-129121478-C-T. GRCh37 (hg19) VCF-style: chr3-128840321-C-T.
Other names: c.12G>A, p.Pro4= (NM_001204883.2, NM_001204884.2, NM_001204885.1 and 3 more transcripts); c.851+8610G>A (NM_001204890.2).
Identifiers: ClinVar variation 3056372 (VCV003056372.2), dbSNP rs76233276, ClinGen allele CA2602892.
Genomic context (GRCh38, chr3:129,121,478, plus strand): 5'-CACCAGCACCAGCTTGAACAGGAAATCGTACTGCTCGTCCGGGTCCCCCGGGCCTGGGCC[C>T]GGCCCTGCCATGGCCTAGAAGAAGCCGAAGGGCCGGCGCTCTGGACGCTGGGACCGGCCT-3'
Protein context (NP_940892.1, residues 1-14): MAG[Pro4=]GPGPGDPDEQ

ClinVar aggregate classification (germline): Benign (0 of 4 stars; one submission).

Conditions:
RAB43-related disorder. Also called: RAB43-related condition.

Allele frequency attached by ClinVar (database versions not stated): ESP Exome Variant Server 0.02752; TOPMed 0.03460; gnomAD 0.03474; ExAC 0.03778; 1000 Genomes Project 30x 0.06387; 1000 Genomes Project 0.06609.

Submission:

PreventionGenetics, part of Exact Sciences
Classification: Benign for RAB43-related condition. Last evaluated: 2022-06-02. Review status: no assertion criteria provided. Collection method: clinical testing. Allele origin: germline.
Comment: This variant is classified as benign based on ACMG/AMP sequence variant interpretation guidelines (Richards et al. 2015 PMID: 25741868, with internal and published modifications).